The following is an entry in ClinVar:

ClinVar aggregate classification (germline): Benign (3 of 4 stars; one submission).

Conditions:
Breast-ovarian cancer, familial, susceptibility to, 1 (BROVCA1). Also called: BRCA1 Hereditary Breast and Ovarian Cancer; OVARIAN CANCER, SUSCEPTIBILITY TO. Identifiers: Orphanet 145, MedGen C2676676, MONDO:0011450, OMIM 604370. Disease mechanism: loss of function.

Submission:

Evidence-based Network for the Interpretation of Germline Mutant Alleles (ENIGMA)
Classification: Benign for Breast-ovarian cancer, familial, susceptibility to, 1. Last evaluated: 2016-09-28. Review status: reviewed by expert panel. Criteria: ENIGMA BRCA1/2 Classification Criteria (2015). Collection method: curation. Allele origin: germline.
Comment: Class 1 not pathogenic based on frequency >1% in an outbred sampleset. Frequency 0.3191 (European), 0.2133 (African), 0.2349 (Admixed American/Latino), 0.2649 (East Asian), 0.4284 (South Asian), derived from 1000 genomes (2013-05-02).

NM_007294.4(BRCA1):c.5467+885dup

Gene: BRCA1 (BRCA1 DNA repair associated; minus strand). Cytogenetic location: 17q21.31.
Variant type: Duplication.
Coding change: c.5467+885dup on transcript NM_007294.4 (MANE Select); 885 bases into the intron after coding-DNA position 5467, one base duplicated (T; older notation c.5467+885dupT).
Molecular consequence: intron variant.
Genome position (GRCh38, 1-based): chr17:43,046,758, A duplicated on the plus strand (T on the coding strand, the reverse complement: BRCA1 is on the minus strand); the first of 16 consecutive A bases (chr17:43,046,758-43,046,773); duplicating any one gives the same sequence. VCF-style (leftmost placement, unchanged base first): chr17-43046757-C-CA. GRCh37 (hg19) VCF-style: chr17-41198774-C-CA.
Other names: c.5128+885dup (NM_001407956.1, NM_001407957.1, NM_001407958.1); c.5254+885dup (NM_001407897.1, NM_001407908.1, NM_001407898.1 and 12 more transcripts); c.5134+885dup (NM_001407947.1, NM_001407949.1, NM_001407946.1 and 1 more transcripts); c.1231+885dup (NM_001408514.1); c.1945+885dup (NM_001408485.1, NM_001408483.1, NM_001408491.1 and 5 more transcripts); c.5257+885dup (NM_001407882.1, NM_001407885.1, NM_001407886.1 and 5 more transcripts); c.2029+885dup (NM_001408447.1, NM_001408446.1, NM_001408448.1 and 2 more transcripts); c.2032+885dup (NM_001408433.1, NM_001408441.1, NM_001408437.1 and 10 more transcripts); and 83 more.
Identifiers: ClinVar variation 264834 (VCV000264834.2), dbSNP rs370148636, ClinGen allele CA10588183.